The following is an entry in ClinVar:

NM_005618.4(DLL1):c.1159_1160dup (p.Gly388fs)

Gene: DLL1 (delta like canonical Notch ligand 1; minus strand). Cytogenetic location: 6q27.
Variant type: Duplication.
Coding change: c.1159_1160dup on transcript NM_005618.4 (MANE Select); coding-DNA positions 1159 to 1160, 2 bases duplicated (GG; older notation c.1159_1160dupGG).
Protein change: p.Gly388fs; shifts the reading frame from glycine 388.
Molecular consequence: frameshift variant.
Genome position (GRCh38, 1-based): chr6:170,285,008-170,285,009, CC duplicated on the plus strand (GG on the coding strand, the reverse complement: DLL1 is on the minus strand). VCF-style (leftmost placement, unchanged base first): chr6-170285007-T-TCC. GRCh37 (hg19) VCF-style: chr6-170594095-T-TCC.
Other names: short protein forms G388fs.
Identifiers: ClinVar variation 5038225 (VCV005038225.1).
Genomic context (GRCh38, chr6:170,285,007, plus strand): 5'-GTCAATTTTCTTCTCACAGTTGAAGCCGGAGTAGCCCACGGGGCAGCGGCAGCTGTACCC[T>TCC]CCATCGGGGCTGTCTGAGCACCGACCCCCGTTAAAGCAAGGGCCGTCCGCACAGGTCATG-3'

ClinVar aggregate classification (germline): Likely pathogenic (1 of 4 stars; one submission).

Conditions:
Neurodevelopmental disorder with nonspecific brain abnormalities and with or without seizures. Identifiers: MedGen C5231470, MONDO:0032877, OMIM 618709.

Submission:

MVZ Medizinische Genetik Mainz
Classification: Likely pathogenic for Neurodevelopmental disorder with nonspecific brain abnormalities and with or without seizures. Last evaluated: 2026-03-04. Review status: criteria provided, single submitter. Criteria: UK Practice Guidelines For Variant Classification V4 01 2020. Collection method: clinical testing. Allele origin: germline. Inheritance: Autosomal dominant inheritance. Affected: yes. Observed: 1 variant allele.
Comment: ACMG Criteria: PVS1,PM2_SUP